The following is an entry in ClinVar:

NM_152564.5(VPS13B):c.5836_5840del (p.Arg1946fs)

Gene: VPS13B (vacuolar protein sorting 13 homolog B; plus strand). Cytogenetic location: 8q22.2.
Variant type: Deletion.
Coding change: c.5836_5840del on transcript NM_152564.5 (MANE Select); coding-DNA positions 5836 to 5840, 5 bases deleted (AGAAA; older notation c.5836_5840delAGAAA).
Protein change: p.Arg1946fs; shifts the reading frame from arginine 1946.
Molecular consequence: frameshift variant.
Genome position (GRCh38, 1-based): chr8:99,642,426-99,642,430, AGAAA deleted. VCF-style (leftmost placement, unchanged base first): chr8-99642425-CAGAAA-C. GRCh37 (hg19) VCF-style: chr8-100654653-CAGAAA-C.
Other names: c.5911_5915del, p.Arg1971fs (NM_017890.5); short protein forms R1946fs, R1971fs.
Identifiers: ClinVar variation 1460254 (VCV001460254.6), dbSNP rs2133932487, ClinGen allele CA2573143590.

ClinVar aggregate classification (germline): Pathogenic (1 of 4 stars; one submission).

Conditions:
Cohen syndrome (COH1). Also called: PEPPER SYNDROME; Cutis verticis gyrata, retinitis pigmentosa, and sensorineural deafness. Identifiers: Orphanet 193, MedGen C0265223, MONDO:0008999, OMIM 216550.

Submission:

Labcorp Genetics (formerly Invitae), Labcorp
Classification: Pathogenic for Cohen syndrome. Last evaluated: 2023-08-28. Review status: criteria provided, single submitter. Criteria: Invitae Variant Classification Sherloc (09022015). Collection method: clinical testing. Allele origin: germline.
Comment: This sequence change creates a premature translational stop signal (p.Arg1971Alafs*9) in the VPS13B gene. It is expected to result in an absent or disrupted protein product. Loss-of-function variants in VPS13B are known to be pathogenic (PMID: 15141358, 16648375, 20461111). This variant is not present in population databases (gnomAD no frequency). This variant has not been reported in the literature in individuals affected with VPS13B-related conditions. ClinVar contains an entry for this variant (Variation ID: 1460254). For these reasons, this variant has been classified as Pathogenic.

Literature cited by the submitters: PubMed 15141358; PubMed 16648375; PubMed 20461111.